The following is an entry in ClinVar:

ClinVar aggregate classification (germline): Benign. Review status: criteria provided, multiple submitters, no conflicts (2 of 4 stars). 3 submissions from 3 submitters: Benign (2). 1 of the submissions does not count toward it. Last evaluated 2018-02-27.

Conditions:
EEF1D-related disorder. Also called: EEF1D-related condition.

Allele frequency attached by ClinVar (database versions not stated): gnomAD exomes 0.00193 and 0.00462; ExAC 0.00508; 1000 Genomes Project 30x 0.01359; gnomAD 0.01396 and 0.01505; 1000 Genomes Project 0.01258; TOPMed 0.01622; ESP Exome Variant Server 0.01578.
gnomAD v4.1: 5,011 of 1,572,256 alleles (0.32%); highest among the groups gnomAD compares: African/African-American, 4.6%; 115 homozygotes.

Submissions (3):

Labcorp Genetics (formerly Invitae), Labcorp
Classification: Benign. Last evaluated: 2018-02-27. Review status: criteria provided, single submitter. Criteria: Invitae Variant Classification Sherloc (09022015). Collection method: clinical testing. Allele origin: germline.

Breakthrough Genomics
Classification: Benign. Review status: criteria provided, single submitter. Criteria: ACMG Guidelines, 2015. Collection method: not provided. Allele origin: germline. Inheritance: Unknown mechanism. Affected: yes.

PreventionGenetics, part of Exact Sciences
Classification: Benign for EEF1D-related condition. Last evaluated: 2019-05-28. Review status: no assertion criteria provided. Collection method: clinical testing. Allele origin: germline. Not counted in ClinVar's aggregate classification.
Comment: This variant is classified as benign based on ACMG/AMP sequence variant interpretation guidelines (Richards et al. 2015 PMID: 25741868, with internal and published modifications).

NM_001130053.5(EEF1D):c.297G>A (p.Ala99=)

Gene: EEF1D (eukaryotic translation elongation factor 1 delta; minus strand). Cytogenetic location: 8q24.3.
Variant type: single nucleotide variant.
Coding change: c.297G>A on transcript NM_001130053.5 (MANE Select); coding-DNA position 297, G replaced by A.
Protein change: p.Ala99=; no amino-acid change (alanine 99 retained).
Molecular consequence: synonymous variant. On other transcripts: intron variant (8).
Genome position (GRCh38, 1-based): chr8:143,589,785, C>T on the plus strand (G>A on the coding strand, the complement: EEF1D is on the minus strand). VCF-style: chr8-143589785-C-T. GRCh37 (hg19) VCF-style: chr8-144671955-C-T.
Other names: c.297G>A, p.Ala99= (NM_032378.7); c.-4-2936G>A (NM_001317743.4, NM_001289950.4, NM_001130055.4); c.-7-2933G>A (NM_001130056.5, NM_001195203.4, NM_001960.7 and 2 more transcripts).
Identifiers: ClinVar variation 780132 (VCV000780132.6), dbSNP rs61757370, ClinGen allele CA4913893.